The following is an entry in ClinVar:

ClinVar aggregate classification (germline): Pathogenic/Likely pathogenic. Review status: criteria provided, multiple submitters, no conflicts (2 of 4 stars). 5 submissions from 5 submitters: Pathogenic (1); Likely pathogenic (3). 1 of the submissions does not count toward it. Last evaluated 2025-11-25.

Conditions:
Lethal congenital contracture syndrome 11 (LCCS11). Identifiers: MedGen C4310670, MONDO:0014965, OMIM 617194.
GLDN-related disorders.
GLDN-related disorder. Also called: GLDN-related condition.

Allele frequency attached by ClinVar (database versions not stated): gnomAD 0.00001; gnomAD exomes 0.00001; TOPMed 0.00001.
gnomAD v4.1: 20 of 1,490,898 alleles (0.0013%); highest among the groups gnomAD compares: Non-Finnish European, 0.0015%; no homozygotes.

Submissions (5):

GeneDx
Classification: Likely pathogenic. Last evaluated: 2025-11-25. Review status: criteria provided, single submitter. Criteria: GeneDx Variant Classification Process June 2021. Collection method: clinical testing. Allele origin: germline. Affected: yes.
Comment: In silico analysis suggests that this missense variant does not alter protein structure/function; This variant is associated with the following publications: (PMID: 35806855, 33820833, 35740734, 39713852)

PreventionGenetics, part of Exact Sciences
Classification: Likely pathogenic for GLDN-related condition. Last evaluated: 2025-11-05. Review status: criteria provided, single submitter. Criteria: ACMG Guidelines, 2015. Collection method: clinical testing. Allele origin: germline.
Comment: The GLDN c.82G>C variant is predicted to result in the amino acid substitution p.Ala28Pro. This variant has been reported in the homozygous and compound heterozygous state in individuals with lethal congenital contracture syndrome 11 and arthrogryposis multiplex congenita (Table S1, Laquerriere et al. 2022. PubMed ID: 33820833; Eurich et al. 2022. PubMed ID: 35740734; McAdam et al. 2025. PubMed ID: 39713852). It has been proposed as a founder variant in the Nunavik Inuit population (McAdam et al. 2025. PubMed ID: 39713852). This variant is reported in 0.0040% of alleles in individuals of European (Non-Finnish) descent in gnomAD. This variant is interpreted as likely pathogenic.

Women's Health and Genetics/Laboratory Corporation of America, LabCorp
Classification: Likely pathogenic for Lethal congenital contracture syndrome 11. Last evaluated: 2025-01-29. Review status: criteria provided, single submitter. Criteria: LabCorp Variant Classification Summary - May 2015. Collection method: clinical testing. Allele origin: germline.
Comment: Variant summary: GLDN c.82G>C (p.Ala28Pro) results in a non-conservative amino acid change in the encoded protein sequence. Four of five in-silico tools predict a damaging effect of the variant on protein function. The variant allele was found at a frequency of 1.1e-05 in 88468 control chromosomes. These data indicate that the variant is likely to be associated with disease. To our knowledge, no experimental evidence demonstrating an impact on protein function has been reported. The following publications have been ascertained in the context of this evaluation (PMID: 35740734, 33820833, 35806855). ClinVar contains an entry for this variant (Variation ID: 1175345). Based on the evidence outlined above, the variant was classified as likely pathogenic.

Blueprint Genetics
Classification: Pathogenic for GLDN-related disorders. Last evaluated: 2024-09-06. Review status: criteria provided, single submitter. Criteria: ACMG Guidelines, 2015. Collection method: clinical testing. Allele origin: germline. Affected: yes. Observed: 5 variant alleles.

Clinical Genetics Laboratory, University Hospital Schleswig-Holstein
Classification: Likely pathogenic for Lethal congenital contracture syndrome 11. Last evaluated: 2021-03-09. Review status: no assertion criteria provided. Collection method: clinical testing. Allele origin: germline. Affected: yes. Not counted in ClinVar's aggregate classification.

Literature cited by the submitters: PubMed 33820833 (cited by Women's Health and Genetics/Laboratory Corporation of America, LabCorp); PubMed 35740734 (cited by Women's Health and Genetics/Laboratory Corporation of America, LabCorp); PubMed 35806855 (cited by Women's Health and Genetics/Laboratory Corporation of America, LabCorp).

NM_181789.4(GLDN):c.82G>C (p.Ala28Pro)

Gene: GLDN (gliomedin; plus strand). Cytogenetic location: 15q21.2.
Variant type: single nucleotide variant.
Coding change: c.82G>C on transcript NM_181789.4 (MANE Select); coding-DNA position 82, G replaced by C.
Protein change: p.Ala28Pro; replaces alanine 28 with proline.
Molecular consequence: missense variant.
Genome position (GRCh38, 1-based): chr15:51,341,766, G>C. VCF-style: chr15-51341766-G-C. GRCh37 (hg19) VCF-style: chr15-51633963-G-C.
Other names: c.82G>C (NM_181789.2); short protein forms A28P.
Identifiers: ClinVar variation 1175345 (VCV001175345.9), dbSNP rs1016861963, ClinGen allele CA270575412.